The following is an entry in ClinVar:

ClinVar aggregate classification (germline): Uncertain significance. Review status: criteria provided, multiple submitters, no conflicts (2 of 4 stars). 2 submissions from 2 submitters: Uncertain significance (2). Last evaluated 2026-08-18.

Conditions:
TSPAN12-related disorder. Also called: TSPAN12-related condition.

Allele frequency attached by ClinVar (database versions not stated): TOPMed below 0.00001; ExAC 0.00001; gnomAD 0.00001; gnomAD exomes 0.00001; ESP Exome Variant Server 0.00008.
gnomAD v4.1: 9 of 1,614,022 alleles (0.00056%); highest among the groups gnomAD compares: Non-Finnish European, 0.00076%; no homozygotes.

Submissions (2):

PreventionGenetics, part of Exact Sciences
Classification: Uncertain significance for TSPAN12-related condition. Last evaluated: 2026-08-18. Review status: criteria provided, single submitter. Criteria: ACMG Guidelines, 2015. Collection method: clinical testing. Allele origin: germline.
Comment: The TSPAN12 c.745T>C variant is predicted to result in the amino acid substitution p.Tyr249His. To our knowledge, this variant has not been reported in the literature. This variant is present in 0.0018% of alleles in individuals of European (Non-Finnish) descent in gnomAD. At this time, the clinical significance of this variant is uncertain due to the absence of conclusive functional and genetic evidence.

Labcorp Genetics (formerly Invitae), Labcorp
Classification: Uncertain significance. Last evaluated: 2022-01-27. Review status: criteria provided, single submitter. Criteria: Invitae Variant Classification Sherloc (09022015). Collection method: clinical testing. Allele origin: germline.
Comment: This sequence change replaces tyrosine, which is neutral and polar, with histidine, which is basic and polar, at codon 249 of the TSPAN12 protein (p.Tyr249His). In summary, the available evidence is currently insufficient to determine the role of this variant in disease. Therefore, it has been classified as a Variant of Uncertain Significance. Algorithms developed to predict the effect of missense changes on protein structure and function are either unavailable or do not agree on the potential impact of this missense change (SIFT: "Tolerated"; PolyPhen-2: "Possibly Damaging"; Align-GVGD: "Class C0"). This variant has not been reported in the literature in individuals affected with TSPAN12-related conditions. This variant is present in population databases (rs140050977, gnomAD 0.0009%).

NM_012338.4(TSPAN12):c.745T>C (p.Tyr249His)

Gene: TSPAN12 (tetraspanin 12; minus strand). Cytogenetic location: 7q31.31.
Variant type: single nucleotide variant.
Coding change: c.745T>C on transcript NM_012338.4 (MANE Select); coding-DNA position 745, T replaced by C.
Protein change: p.Tyr249His; replaces tyrosine 249 with histidine.
Molecular consequence: missense variant.
Genome position (GRCh38, 1-based): chr7:120,788,765, A>G on the plus strand (T>C on the coding strand, the complement: TSPAN12 is on the minus strand). VCF-style: chr7-120788765-A-G. GRCh37 (hg19) VCF-style: chr7-120428819-A-G.
Other names: c.745T>C (NM_012338.3); short protein forms Y249H.
Identifiers: ClinVar variation 1358014 (VCV001358014.7), dbSNP rs140050977, ClinGen allele CA4453813.
Genomic context (GRCh38, chr7:120,788,765, plus strand): 5'-GAGAGTTGTCATTCTTCAAGGACATCATTTGGTCTGTCCCCGGCTCCCTTCTATCATAAT[A>G]CAGAGCCCAGAGCAGAGTAATGGTGAGAATCATGGCCAGGATTTGTGTCACCCCAATGGA-3'
Protein context (NP_036470.1, residues 239-259): ILTITLLWAL[Tyr249His]YDRREPGTDQ